The following is an entry in ClinVar:

NM_001128159.3(VPS53):c.1299C>T (p.Ile433=)

Gene: VPS53 (VPS53 subunit of GARP complex; minus strand). Cytogenetic location: 17p13.3.
Variant type: single nucleotide variant.
Coding change: c.1299C>T on transcript NM_001128159.3 (MANE Select); coding-DNA position 1299, C replaced by T.
Protein change: p.Ile433=; no amino-acid change (isoleucine 433 retained).
Molecular consequence: synonymous variant.
Genome position (GRCh38, 1-based): chr17:586,284, G>A on the plus strand (C>T on the coding strand, the complement: VPS53 is on the minus strand). VCF-style: chr17-586284-G-A. GRCh37 (hg19) VCF-style: chr17-489524-G-A.
Other names: c.1299C>T, p.Ile433= (NM_001366253.2); c.705C>T, p.Ile235= (NM_001366254.2); c.1212C>T, p.Ile404= (NM_018289.4).
Identifiers: ClinVar variation 511681 (VCV000511681.29), dbSNP rs138244894, ClinGen allele CA8261470.
Genomic context (GRCh38, chr17:586,284, plus strand): 5'-AGCGGCGAGAAATGCAGGCAGAAAACAGCGAATGTTCCTCACTCACTTGTCTTGGGATTC[G>A]ATATACACGTAGAGATGAGGCTCAAAACACTTGGAAACAATGCCATGAAATGGATTGTCT-3'
Protein context (NP_001121631.1, residues 423-443): KCFEPHLYVY[Ile433=]ESQDKNLGEL

ClinVar aggregate classification (germline): Likely benign. Review status: criteria provided, multiple submitters, no conflicts (2 of 4 stars). 5 submissions from 5 submitters: Likely benign (5). Last evaluated 2024-06-01.

Allele frequency attached by ClinVar (database versions not stated): gnomAD 0.00003 and 0.00001; TOPMed 0.00004; gnomAD exomes 0.00007 and 0.00010; ESP Exome Variant Server 0.00008; 1000 Genomes Project 30x 0.00016; 1000 Genomes Project 0.00020.
gnomAD v4.1: 116 of 1,613,884 alleles (0.0072%); highest among the groups gnomAD compares: Middle Eastern, 0.13%; no homozygotes.

Submissions (5):

CeGaT Center for Human Genetics Tuebingen
Classification: Likely benign. Last evaluated: 2024-06-01. Review status: criteria provided, single submitter. Criteria: CeGaT Center For Human Genetics Tuebingen Variant Classification Criteria Version 2. Collection method: clinical testing. Allele origin: germline. Affected: yes. Observed: 1 variant allele.
Comment: VPS53: BP4, BP7

Labcorp Genetics (formerly Invitae), Labcorp
Classification: Likely benign. Last evaluated: 2024-03-13. Review status: criteria provided, single submitter. Criteria: Invitae Variant Classification Sherloc (09022015). Collection method: clinical testing. Allele origin: germline.

Blueprint Genetics
Classification: Likely benign. Last evaluated: 2023-11-30. Review status: criteria provided, single submitter. Criteria: ACMG Guidelines, 2015. Collection method: clinical testing. Allele origin: germline.

GeneDx
Classification: Likely benign. Last evaluated: 2017-08-31. Review status: criteria provided, single submitter. Criteria: GeneDx Variant Classification (06012015). Collection method: clinical testing. Allele origin: germline. Affected: yes.
Comment: This variant is considered likely benign or benign based on one or more of the following criteria: it is a conservative change, it occurs at a poorly conserved position in the protein, it is predicted to be benign by multiple in silico algorithms, and/or has population frequency not consistent with disease.

Breakthrough Genomics
Classification: Likely benign. Review status: criteria provided, single submitter. Criteria: ACMG Guidelines, 2015. Collection method: not provided. Allele origin: germline. Inheritance: Autosomal recessive inheritance. Affected: yes.